The following is an entry in ClinVar:

NM_000038.6(APC):c.3713G>A (p.Ser1238Asn)

Gene: APC (APC regulator of Wnt signaling pathway; plus strand). Cytogenetic location: 5q22.2.
Variant type: single nucleotide variant.
Coding change: c.3713G>A on transcript NM_000038.6 (MANE Select); coding-DNA position 3713, G replaced by A.
Protein change: p.Ser1238Asn; replaces serine 1238 with asparagine.
Molecular consequence: missense variant.
Genome position (GRCh38, 1-based): chr5:112,839,307, G>A. VCF-style: chr5-112839307-G-A. GRCh37 (hg19) VCF-style: chr5-112175004-G-A.
Other names: c.3713G>A, p.Ser1238Asn (NM_001127510.3, NM_001354895.2); c.3659G>A, p.Ser1220Asn (NM_001127511.3); c.3767G>A, p.Ser1256Asn (NM_001354896.2); c.3743G>A, p.Ser1248Asn (NM_001354897.2); c.3638G>A, p.Ser1213Asn (NM_001354898.2); c.3629G>A, p.Ser1210Asn (NM_001354899.2); c.3590G>A, p.Ser1197Asn (NM_001354900.2); c.3536G>A, p.Ser1179Asn (NM_001354901.2); and 5 more; short protein forms S1137N, S1147N, S1197N, S1238N, S1179N, S1248N, S1078N, S1112N.
Identifiers: ClinVar variation 842810 (VCV000842810.12), dbSNP rs1353003758, ClinGen allele CA16029480.

ClinVar aggregate classification (germline): Uncertain significance. Review status: criteria provided, multiple submitters, no conflicts (2 of 4 stars). 2 submissions from 2 submitters: Uncertain significance (2). Last evaluated 2026-07-07.

Conditions:
Familial adenomatous polyposis 1 (FAP1). Also called: FAMILIAL ADENOMATOUS POLYPOSIS 1, ATTENUATED; POLYPOSIS, ADENOMATOUS INTESTINAL. Identifiers: MedGen C2713442, MONDO:0021056, OMIM 175100. Disease mechanism: loss of function.
Hereditary cancer-predisposing syndrome. Also called: Tumor predisposition; Hereditary neoplastic syndrome; Neoplastic Syndromes, Hereditary; Hereditary Cancer Syndrome. Identifiers: Orphanet 140162, MedGen C0027672, MeSH D009386, MONDO:0015356.

Submissions (2):

Ambry Genetics
Classification: Uncertain significance for Hereditary cancer-predisposing syndrome. Last evaluated: 2026-07-07. Review status: criteria provided, single submitter. Criteria: Ambry Variant Classification Scheme 2023. Collection method: clinical testing. Allele origin: germline.
Comment: The p.S1238N variant (also known as c.3713G>A), located in coding exon 15 of the APC gene, results from a G to A substitution at nucleotide position 3713. The serine at codon 1238 is replaced by asparagine, an amino acid with highly similar properties. This amino acid position is conserved. In addition, in silico predictors for this gene do not accurately predict pathogenicity. Based on the available evidence, the clinical significance of this variant remains unclear.

Labcorp Genetics (formerly Invitae), Labcorp
Classification: Uncertain significance for Familial adenomatous polyposis 1. Last evaluated: 2019-03-02. Review status: criteria provided, single submitter. Criteria: Invitae Variant Classification Sherloc (09022015). Collection method: clinical testing. Allele origin: germline.
Comment: In summary, the available evidence is currently insufficient to determine the role of this variant in disease. Therefore, it has been classified as a Variant of Uncertain Significance. Algorithms developed to predict the effect of missense changes on protein structure and function output the following: SIFT: "Tolerated"; PolyPhen-2: "Benign"; Align-GVGD: "Class C0". The asparagine amino acid residue is found in multiple mammalian species, suggesting that this missense change does not adversely affect protein function. These predictions have not been confirmed by published functional studies and their clinical significance is uncertain. This variant has not been reported in the literature in individuals with APC-related conditions. This variant is not present in population databases (ExAC no frequency). This sequence change replaces serine with asparagine at codon 1238 of the APC protein (p.Ser1238Asn). The serine residue is moderately conserved and there is a small physicochemical difference between serine and asparagine.